The following is an entry in ClinVar:

NM_198578.4(LRRK2):c.3378G>T (p.Leu1126Phe)

Gene: LRRK2 (leucine rich repeat kinase 2; plus strand). Cytogenetic location: 12q12.
Variant type: single nucleotide variant.
Coding change: c.3378G>T on transcript NM_198578.4 (MANE Select); coding-DNA position 3378, G replaced by T.
Protein change: p.Leu1126Phe; replaces leucine 1126 with phenylalanine.
Molecular consequence: missense variant.
Genome position (GRCh38, 1-based): chr12:40,299,139, G>T. VCF-style: chr12-40299139-G-T. GRCh37 (hg19) VCF-style: chr12-40692941-G-T.
Other names: short protein forms L1126F.
Identifiers: ClinVar variation 1730786 (VCV001730786.2), dbSNP rs2136749836, ClinGen allele CA384415548.

ClinVar aggregate classification (germline): Uncertain significance (1 of 4 stars; one submission).

Conditions:
Inborn genetic diseases. Identifiers: MedGen C0950123, MeSH D030342.

Allele frequency attached by ClinVar (database versions not stated): gnomAD exomes below 0.00001.
gnomAD v4.1: 3 of 1,613,166 alleles (0.00019%); highest among the groups gnomAD compares: Non-Finnish European, 0.00025%; no homozygotes.

Submission:

Ambry Genetics
Classification: Uncertain significance for Inborn genetic diseases. Last evaluated: 2021-08-18. Review status: criteria provided, single submitter. Criteria: Ambry Variant Classification Scheme 2023. Collection method: clinical testing. Allele origin: germline.
Comment: The p.L1126F variant (also known as c.3378G>T), located in coding exon 25 of the LRRK2 gene, results from a G to T substitution at nucleotide position 3378. The leucine at codon 1126 is replaced by phenylalanine, an amino acid with highly similar properties. This amino acid position is conserved. In addition, this alteration is predicted to be tolerated by in silico analysis. Since supporting evidence is limited at this time, the clinical significance of this alteration remains unclear.